The following is an entry in ClinVar:

ClinVar aggregate classification (germline): Uncertain significance (1 of 4 stars; one submission).

Conditions:
Inborn genetic diseases. Identifiers: MedGen C0950123, MeSH D030342.

Allele frequency attached by ClinVar (database versions not stated): gnomAD exomes 0.00002; TOPMed 0.00002; gnomAD 0.00004; ExAC 0.00006; 1000 Genomes Project 30x 0.00016; 1000 Genomes Project 0.00020.

Submission:

Ambry Genetics
Classification: Uncertain significance for Inborn genetic diseases. Last evaluated: 2022-10-23. Review status: criteria provided, single submitter. Criteria: Ambry Variant Classification Scheme 2023. Collection method: clinical testing. Allele origin: germline.
Comment: The p.T95M variant (also known as c.284C>T), located in coding exon 4 of the F2 gene, results from a C to T substitution at nucleotide position 284. The threonine at codon 95 is replaced by methionine, an amino acid with similar properties. This amino acid position is conserved. In addition, this alteration is predicted to be tolerated by in silico analysis. Since supporting evidence is limited at this time, the clinical significance of this alteration remains unclear.

NM_000506.5(F2):c.284C>T (p.Thr95Met)

Gene: F2 (coagulation factor II, thrombin; plus strand). Cytogenetic location: 11p11.2.
Variant type: single nucleotide variant.
Coding change: c.284C>T on transcript NM_000506.5 (MANE Select); coding-DNA position 284, C replaced by T.
Protein change: p.Thr95Met; replaces threonine 95 with methionine.
Molecular consequence: missense variant.
Genome position (GRCh38, 1-based): chr11:46,720,808, C>T. VCF-style: chr11-46720808-C-T. GRCh37 (hg19) VCF-style: chr11-46742358-C-T.
Other names: short protein forms T95M.
Identifiers: ClinVar variation 1796814 (VCV001796814.2), dbSNP rs189436668, ClinGen allele CA5966888.